The following is an entry in ClinVar:

ClinVar aggregate classification (germline): Uncertain significance (1 of 4 stars; one submission).

Conditions:
RASopathy. Also called: Noonan spectrum disorder; rasopathies. Identifiers: Orphanet 536391, MedGen C5555857, MONDO:0021060.

Submission:

Labcorp Genetics (formerly Invitae), Labcorp
Classification: Uncertain significance for RASopathy. Last evaluated: 2024-07-17. Review status: criteria provided, single submitter. Criteria: Invitae Variant Classification Sherloc (09022015). Collection method: clinical testing. Allele origin: germline.
Comment: This sequence change replaces glycine, which is neutral and non-polar, with arginine, which is basic and polar, at codon 143 of the SHOC2 protein (p.Gly143Arg). This variant is not present in population databases (gnomAD no frequency). This variant has not been reported in the literature in individuals affected with SHOC2-related conditions. Advanced modeling of protein sequence and biophysical properties (such as structural, functional, and spatial information, amino acid conservation, physicochemical variation, residue mobility, and thermodynamic stability) has been performed at Invitae for this missense variant, however the output from this modeling did not meet the statistical confidence thresholds required to predict the impact of this variant on SHOC2 protein function. In summary, the available evidence is currently insufficient to determine the role of this variant in disease. Therefore, it has been classified as a Variant of Uncertain Significance.

NM_007373.4(SHOC2):c.427G>A (p.Gly143Arg)

Gene: SHOC2 (SHOC2 leucine rich repeat scaffold protein; plus strand). Cytogenetic location: 10q25.2.
Variant type: single nucleotide variant.
Coding change: c.427G>A on transcript NM_007373.4 (MANE Select); coding-DNA position 427, G replaced by A.
Protein change: p.Gly143Arg; replaces glycine 143 with arginine.
Molecular consequence: missense variant.
Genome position (GRCh38, 1-based): chr10:110,964,785, G>A. VCF-style: chr10-110964785-G-A. GRCh37 (hg19) VCF-style: chr10-112724543-G-A.
Other names: c.427G>A, p.Gly143Arg (NM_001269039.3, NM_001324336.2, NM_001324337.2); short protein forms G143R.
Identifiers: ClinVar variation 3659787 (VCV003659787.2).
Genomic context (GRCh38, chr10:110,964,785, plus strand): 5'-ACTCAATTAACAGAACTTTATTTATACAGTAACAAATTGCAGTCCCTCCCAGCAGAGGTG[G>A]GATGTTTAGTAAATCTCATGACACTGGCTCTAAGTGAAAATTCACTTACCAGTTTGCCTG-3'
Protein context (NP_031399.2, residues 133-153): NKLQSLPAEV[Gly143Arg]CLVNLMTLAL